The following is an entry in ClinVar:

NM_172107.4(KCNQ2):c.2234C>T (p.Pro745Leu)

Gene: KCNQ2 (potassium voltage-gated channel subfamily Q member 2; minus strand). Cytogenetic location: 20q13.33.
Variant type: single nucleotide variant.
Coding change: c.2234C>T on transcript NM_172107.4 (MANE Select); coding-DNA position 2234, C replaced by T.
Protein change: p.Pro745Leu; replaces proline 745 with leucine.
Molecular consequence: missense variant.
Genome position (GRCh38, 1-based): chr20:63,407,029, G>A on the plus strand (C>T on the coding strand, the complement: KCNQ2 is on the minus strand). VCF-style: chr20-63407029-G-A. GRCh37 (hg19) VCF-style: chr20-62038382-G-A.
Other names: KCNQ2; c.2150C>T, p.Pro717Leu (NM_004518.6); c.2180C>T, p.Pro727Leu (NM_172106.3); c.2141C>T, p.Pro714Leu (NM_172108.5); short protein forms P745L, P714L, P727L, P717L.
Identifiers: ClinVar variation 373718 (VCV000373718.4), dbSNP rs1057518569, ClinGen allele CA16043137.

ClinVar aggregate classification (germline): Uncertain significance. Review status: criteria provided, multiple submitters, no conflicts (2 of 4 stars). 3 submissions from 3 submitters: Uncertain significance (2). 1 of the submissions does not count toward it. Last evaluated 2025-06-29.

Conditions:
Early-infantile DEE. Also called: Ohtahara syndrome; Early infantile epileptic encephalopathy; Early infantile epileptic encephalopathy with suppression bursts. Identifiers: Orphanet 1934, MedGen C0393706, MONDO:0800491.
Intellectual disability. Also called: Intellectual developmental disorder; Intellectual functioning disability; intellectual disabilities. Identifiers: MedGen C3714756, MeSH D008607, MONDO:0001071, HP:0001249.

Allele frequency attached by ClinVar (database versions not stated): gnomAD 0.00001; TOPMed 0.00001.

Submissions (3):

Labcorp Genetics (formerly Invitae), Labcorp
Classification: Uncertain significance for Early-infantile DEE. Last evaluated: 2025-06-29. Review status: criteria provided, single submitter. Criteria: Invitae Variant Classification Sherloc (09022015). Collection method: clinical testing. Allele origin: germline.
Comment: This sequence change replaces proline, which is neutral and non-polar, with leucine, which is neutral and non-polar, at codon 745 of the KCNQ2 protein (p.Pro745Leu). This variant is not present in population databases (gnomAD no frequency). This variant has not been reported in the literature in individuals affected with KCNQ2-related conditions. ClinVar contains an entry for this variant (Variation ID: 373718). Invitae Evidence Modeling of protein sequence and biophysical properties (such as structural, functional, and spatial information, amino acid conservation, physicochemical variation, residue mobility, and thermodynamic stability) has been performed for this missense variant. However, the output from this modeling did not meet the statistical confidence thresholds required to predict the impact of this variant on KCNQ2 protein function. In summary, the available evidence is currently insufficient to determine the role of this variant in disease. Therefore, it has been classified as a Variant of Uncertain Significance.

GeneDx
Classification: Uncertain significance. Last evaluated: 2016-11-29. Review status: criteria provided, single submitter. Criteria: GeneDx Variant Classification (06012015). Collection method: clinical testing. Allele origin: germline. Affected: yes.
Comment: A variant of uncertain significance has been identified in the KCNQ2 gene. The P745L variant has not been published as a pathogenic variant, nor has it been reported as a benign variant to our knowledge. The P745L variant is not observed in large population cohorts (Lek et al., 2016; 1000 Genomes Consortium et al., 2015; Exome Variant Server). The P745L variant is a semi-conservative amino acid substitution, which may impact secondary protein structure as these residues differ in some properties. This substitution alters a conserved position predicted to be within the C-terminal cytoplasmic domain. In silico analysis predicts this variant is probably damaging to the protein structure/function. However, missense variants in nearby residues have not been reported in Human Gene Mutation Database in association with KCNQ2- related disorders (Stenson et al., 2014). Therefore, based on the currently available information, it is unclear whether this variant is a pathogenic variant or a rare benign variant.

Diagnostic Laboratory, Strasbourg University Hospital
Classification: Uncertain significance for Intellectual disability. Last evaluated: 2020-04-15. Review status: no assertion criteria provided. Collection method: clinical testing. Allele origin: maternal. Inheritance: Autosomal dominant inheritance. Affected: yes. Observed: 1 heterozygote. Not counted in ClinVar's aggregate classification.